The following is an entry in ClinVar:

ClinVar aggregate classification (germline): Pathogenic (1 of 4 stars; one submission).

Conditions:
Intellectual disability, CASK-related, X-linked. Identifiers: MedGen CN043158.

Submission:

Labcorp Genetics (formerly Invitae), Labcorp
Classification: Pathogenic for Intellectual disability, CASK-related, X-linked. Last evaluated: 2023-11-08. Review status: criteria provided, single submitter. Criteria: Invitae Variant Classification Sherloc (09022015). Collection method: clinical testing. Allele origin: unknown.
Comment: This variant is a gross deletion of the genomic region encompassing exon(s) 3 of the CASK gene. This deletion is out-of-frame, and is expected to create a premature termination codon and result in an absent or disrupted protein product. Loss-of-function variants in CASK are known to be pathogenic (PMID: 19165920, 20029458, 21954287, 22452838, 22709267). This variant has not been reported in the literature in individuals affected with CASK-related conditions. For these reasons, this variant has been classified as Pathogenic.

Literature cited by the submitters: PubMed 19165920; PubMed 20029458; PubMed 21954287; PubMed 22452838; PubMed 22709267.

NC_000023.10:g.(?_41646411)_(41646556_?)del

Gene: CASK (calcium/calmodulin dependent serine protein kinase; minus strand). Cytogenetic location: Xp11.4.
Variant type: Deletion.
Identifiers: ClinVar variation 3245306 (VCV003245306.1).